The following is an entry in ClinVar:

ClinVar aggregate classification (germline): Likely benign (1 of 4 stars; one submission).

Allele frequency attached by ClinVar (database versions not stated): 1000 Genomes Project 0.00040; 1000 Genomes Project 30x 0.00047; gnomAD 0.00345; ESP Exome Variant Server 0.00404; ExAC 0.00537.
gnomAD v4.1: 8,596 of 1,595,042 alleles (0.54%); highest among the groups gnomAD compares: Non-Finnish European, 0.68%; 31 homozygotes.

Submission:

CeGaT Center for Human Genetics Tuebingen
Classification: Likely benign. Last evaluated: 2023-03-01. Review status: criteria provided, single submitter. Criteria: CeGaT Center For Human Genetics Tuebingen Variant Classification Criteria Version 2. Collection method: clinical testing. Allele origin: germline. Affected: yes. Observed: 1 variant allele.
Comment: TRABD: BP4, BP7, BS2

NM_001320485.2(TRABD):c.1083C>T (p.Pro361=)

Gene: TRABD (TraB domain containing; plus strand). Cytogenetic location: 22q13.33.
Variant type: single nucleotide variant.
Coding change: c.1083C>T on transcript NM_001320485.2 (MANE Select); coding-DNA position 1083, C replaced by T.
Protein change: p.Pro361=; no amino-acid change (proline 361 retained).
Molecular consequence: synonymous variant. On other transcripts: non-coding transcript variant (1).
Genome position (GRCh38, 1-based): chr22:50,198,471, C>T. VCF-style: chr22-50198471-C-T. GRCh37 (hg19) VCF-style: chr22-50636900-C-T.
Other names: c.1095C>T, p.Pro365= (NM_001320484.2); c.1083C>T, p.Pro361= (NM_001320487.2, NM_001320488.2, NM_001378762.1 and 2 more transcripts).
Identifiers: ClinVar variation 2653366 (VCV002653366.24), dbSNP rs146656338, ClinGen allele CA10306072.